The following is an entry in ClinVar:

NM_000431.4(MVK):c.1151C>T (p.Ser384Phe)

Gene: MVK (mevalonate kinase; plus strand). Cytogenetic location: 12q24.11.
Variant type: single nucleotide variant.
Coding change: c.1151C>T on transcript NM_000431.4 (MANE Select); coding-DNA position 1151, C replaced by T.
Protein change: p.Ser384Phe; replaces serine 384 with phenylalanine.
Molecular consequence: missense variant.
Genome position (GRCh38, 1-based): chr12:109,596,537, C>T. VCF-style: chr12-109596537-C-T. GRCh37 (hg19) VCF-style: chr12-110034342-C-T.
Other names: c.1151C>T, p.Ser384Phe (NM_001114185.3); c.995C>T, p.Ser332Phe (NM_001301182.2); short protein forms S384F, S332F.
Identifiers: ClinVar variation 97570 (VCV000097570.1), dbSNP rs104895383, ClinGen allele CA149789.

ClinVar aggregate classification (germline): not provided (0 of 4 stars; one submission).

Conditions:
Hyperimmunoglobulin D with periodic fever (HIDS). Also called: HYPERIMMUNOGLOBULINEMIA D AND PERIODIC FEVER SYNDROME; Hyperimmunoglobulinemia D; Hyperimmunoglobulinemia D with periodic fever. Identifiers: Orphanet 343, MedGen C0398691, MONDO:0009849, OMIM 260920.

Allele frequency attached by ClinVar (database versions not stated): TOPMed 0.00001.
gnomAD v4.1: 13 of 1,612,068 alleles (0.00081%); highest among the groups gnomAD compares: Non-Finnish European, 0.00085%; no homozygotes.

Submission:

Unité médicale des maladies autoinflammatoires, CHRU Montpellier
No classification provided. Condition: Hyperimmunoglobulin D with periodic fever. Review status: no classification provided. Collection method: not provided. Allele origin: unknown.
Comment: also involved in OMIM 25117